The following is an entry in ClinVar:

NM_001372.4(DNAH9):c.5174T>C (p.Ile1725Thr)

Gene: DNAH9 (dynein axonemal heavy chain 9; plus strand). Cytogenetic location: 17p12.
Variant type: single nucleotide variant.
Coding change: c.5174T>C on transcript NM_001372.4 (MANE Select); coding-DNA position 5174, T replaced by C.
Protein change: p.Ile1725Thr; replaces isoleucine 1725 with threonine.
Molecular consequence: missense variant.
Genome position (GRCh38, 1-based): chr17:11,704,225, T>C. VCF-style: chr17-11704225-T-C. GRCh37 (hg19) VCF-style: chr17-11607542-T-C.
Other names: short protein forms I1725T.
Identifiers: ClinVar variation 1362826 (VCV001362826.8), dbSNP rs2150776881, ClinGen allele CA398184413.

ClinVar aggregate classification (germline): Uncertain significance (1 of 4 stars; one submission).

Submission:

Labcorp Genetics (formerly Invitae), Labcorp
Classification: Uncertain significance. Last evaluated: 2021-07-14. Review status: criteria provided, single submitter. Criteria: Invitae Variant Classification Sherloc (09022015). Collection method: clinical testing. Allele origin: germline.
Comment: This sequence change replaces isoleucine with threonine at codon 1725 of the DNAH9 protein (p.Ile1725Thr). The isoleucine residue is moderately conserved and there is a moderate physicochemical difference between isoleucine and threonine. This variant is not present in population databases (ExAC no frequency). This variant has not been reported in the literature in individuals affected with DNAH9-related conditions. Algorithms developed to predict the effect of missense changes on protein structure and function are either unavailable or do not agree on the potential impact of this missense change (SIFT: "Deleterious"; PolyPhen-2: "Possibly Damaging"; Align-GVGD: "Class C0"). In summary, the available evidence is currently insufficient to determine the role of this variant in disease. Therefore, it has been classified as a Variant of Uncertain Significance.